The following is an entry in ClinVar:

ClinVar aggregate classification (germline): Conflicting classifications of pathogenicity. Review status: criteria provided, conflicting classifications (1 of 4 stars). 2 submissions from 2 submitters: Likely pathogenic (1); Uncertain significance (1). Last evaluated 2023-05-19.

Submissions (2):

Blueprint Genetics
Classification: Uncertain significance. Last evaluated: 2023-05-19. Review status: criteria provided, single submitter. Criteria: ACMG Guidelines, 2015. Collection method: clinical testing. Allele origin: germline.

Mayo Clinic Laboratories, Mayo Clinic
Classification: Likely pathogenic. Last evaluated: 2020-11-18. Review status: criteria provided, single submitter. Criteria: ACMG Guidelines, 2015. Collection method: clinical testing. Allele origin: germline. Observed: 1 variant allele.
Comment: PM1, PM2, PP2

Literature cited by the submitters: PubMed 19802897 (cited by Mayo Clinic Laboratories, Mayo Clinic); PubMed 11524736 (cited by Mayo Clinic Laboratories, Mayo Clinic); PubMed 19293843 (cited by Mayo Clinic Laboratories, Mayo Clinic).

NM_000138.5(FBN1):c.5960G>A (p.Gly1987Asp)

Gene: FBN1 (fibrillin 1; minus strand). Cytogenetic location: 15q21.1.
Variant type: single nucleotide variant.
Coding change: c.5960G>A on transcript NM_000138.5 (MANE Select); coding-DNA position 5960, G replaced by A.
Protein change: p.Gly1987Asp; replaces glycine 1987 with aspartic acid.
Molecular consequence: missense variant.
Genome position (GRCh38, 1-based): chr15:48,444,618, C>T on the plus strand (G>A on the coding strand, the complement: FBN1 is on the minus strand). VCF-style: chr15-48444618-C-T. GRCh37 (hg19) VCF-style: chr15-48736815-C-T.
Other names: short protein forms G1987D.
Identifiers: ClinVar variation 1163969 (VCV001163969.6), dbSNP rs2043140093, ClinGen allele CA392339814.